The following is an entry in ClinVar:

NM_001134407.3(GRIN2A):c.67_81del (p.Pro23_Ala27del)

Gene: GRIN2A (glutamate ionotropic receptor NMDA type subunit 2A; minus strand). Cytogenetic location: 16p13.2.
Variant type: Deletion.
Coding change: c.67_81del on transcript NM_001134407.3 (MANE Select); coding-DNA positions 67 to 81, 15 bases deleted (CCGAGCGCGGCGGCG).
Protein change: p.Pro23_Ala27del.
Molecular consequence: inframe deletion.
Genome position (GRCh38, 1-based): chr16:10,180,331-10,180,345, CGCCGCCGCGCTCGG deleted on the plus strand (CCGAGCGCGGCGGCG on the coding strand, the reverse complement: GRIN2A is on the minus strand); deleting any 15 consecutive bases within chr16:10,180,331-10,180,350 gives the same sequence; the c. name uses the placement nearest the transcript's 3' end. VCF-style (leftmost placement, unchanged base first): chr16-10180330-CCGCCGCCGCGCTCGG-C. GRCh37 (hg19) VCF-style: chr16-10274187-CCGCCGCCGCGCTCGG-C.
Other names: c.67_81del, p.Pro23_Ala27del (NM_000833.5, NM_001134408.2).
Identifiers: ClinVar variation 1031668 (VCV001031668.9), dbSNP rs775540481, ClinGen allele CA7897047.

ClinVar aggregate classification (germline): Conflicting classifications of pathogenicity. Review status: criteria provided, conflicting classifications (1 of 4 stars). 2 submissions from 2 submitters: Uncertain significance (1); Likely benign (1). Last evaluated 2022-07-19.

Conditions:
Landau-Kleffner syndrome (FESD). Also called: APHASIA, ACQUIRED, WITH EPILEPSY; EPILEPSY, FOCAL, WITH SPEECH DISORDER AND WITH OR WITHOUT MENTAL RETARDATION. Identifiers: Orphanet 1945, Orphanet 725, Orphanet 98818, MedGen C0282512, MONDO:0009509, OMIM 245570.

Submissions (2):

Labcorp Genetics (formerly Invitae), Labcorp
Classification: Likely benign for Landau-Kleffner syndrome. Last evaluated: 2022-07-19. Review status: criteria provided, single submitter. Criteria: Invitae Variant Classification Sherloc (09022015). Collection method: clinical testing. Allele origin: germline.

Baylor Genetics
Classification: Uncertain significance for Landau-Kleffner syndrome. Last evaluated: 2018-07-24. Review status: criteria provided, single submitter. Criteria: ACMG Guidelines, 2015. Collection method: clinical testing. Allele origin: maternal. Affected: yes.
Comment: This variant was determined to be of uncertain significance according to ACMG Guidelines, 2015 [PMID:25741868].